The following is an entry in ClinVar:

NC_000002.12:g.32266493G>T

Gene: NLRC4 (NLR family CARD domain containing 4; minus strand). Cytogenetic location: 2p22.3.
Variant type: single nucleotide variant.
Genome position: GRCh38 VCF-style: chr2-32266493-G-T. GRCh37 (hg19) VCF-style: chr2-32491562-G-T.
Identifiers: ClinVar variation 102939 (VCV000102939.2), dbSNP rs199475949, ClinGen allele CA229902.

ClinVar aggregate classification (germline): not provided (0 of 4 stars; one submission).

Allele frequency attached by ClinVar (database versions not stated): gnomAD 0.00001.

Submission:

Human Evolutionary Genetics, Institut Pasteur
No classification provided. Review status: no classification provided. Collection method: not provided. Allele origin: germline.
ClinVar note: Converted during submission from untested to not provided.